The following is an entry in ClinVar:

ClinVar aggregate classification (germline): Pathogenic. Review status: criteria provided, multiple submitters, no conflicts (2 of 4 stars). 5 submissions from 5 submitters: Pathogenic (5). Last evaluated 2024-12-02.

Conditions:
Intellectual disability. Also called: Intellectual functioning disability; Intellectual developmental disorder; intellectual disabilities. Identifiers: MedGen C3714756, MeSH D008607, MONDO:0001071, HP:0001249.
Intellectual developmental disorder, X-linked 1. Also called: Atkin Flaitz Patil Smith syndrome; MENTAL RETARDATION, X-LINKED 18; MENTAL RETARDATION, X-LINKED 78; Intellectual disability, X-linked 1. Identifiers: Orphanet 777, MedGen C2931498, MONDO:0010656, OMIM 309530.
IQSEC2-related disorder. Also called: IQSEC2-related condition.

Submissions (5):

GeneDx
Classification: Pathogenic. Last evaluated: 2024-12-02. Review status: criteria provided, single submitter. Criteria: GeneDx Variant Classification Process June 2021. Collection method: clinical testing. Allele origin: germline. Affected: yes.
Comment: Not observed at significant frequency in large population cohorts (gnomAD); Observed in a patients with neurodevelopmental phenotypes in the published literature but patient specific details were not provided (PMID: 26633542, 31175295); Nonsense variant predicted to result in protein truncation or nonsense mediated decay in a gene for which loss of function is a known mechanism of disease; This variant is associated with the following publications: (PMID: 31175295, 26633542)

Institute of Human Genetics, University of Leipzig Medical Center
Classification: Pathogenic for Intellectual developmental disorder, X-linked 1. Last evaluated: 2024-09-18. Review status: criteria provided, single submitter. Criteria: ACMG Guidelines, 2015. Collection method: clinical testing. Allele origin: unknown. Inheritance: X-linked dominant inheritance. Affected: yes.
Comment: Criteria applied: PVS1,PS2_MOD,PS4_MOD,PM2

Labcorp Genetics (formerly Invitae), Labcorp
Classification: Pathogenic for Intellectual developmental disorder, X-linked 1. Last evaluated: 2024-05-10. Review status: criteria provided, single submitter. Criteria: Invitae Variant Classification Sherloc (09022015). Collection method: clinical testing. Allele origin: germline.
Comment: This sequence change creates a premature translational stop signal (p.Arg904*) in the IQSEC2 gene. It is expected to result in an absent or disrupted protein product. Loss-of-function variants in IQSEC2 are known to be pathogenic (PMID: 21686261, 26793055, 27665735). This variant is not present in population databases (gnomAD no frequency). This premature translational stop signal has been observed in individual(s) with abnormalities of the nervous system and/or seizures, and developmental delay (PMID: 26633542; Invitae). ClinVar contains an entry for this variant (Variation ID: 935987). For these reasons, this variant has been classified as Pathogenic.

Blueprint Genetics
Classification: Pathogenic for IQSEC2-related disorders. Last evaluated: 2021-05-25. Review status: criteria provided, single submitter. Criteria: ACMG Guidelines, 2015. Collection method: clinical testing. Allele origin: de novo. Affected: yes. Observed: 1 variant allele.

Diagnostic Laboratory, Strasbourg University Hospital
Classification: Pathogenic for Intellectual disability. Last evaluated: 2020-09-10. Review status: criteria provided, single submitter. Criteria: ACMG Guidelines, 2015. Collection method: clinical testing. Allele origin: de novo. Affected: yes. Observed: 1 heterozygote.

Literature cited by the submitters: PubMed 21686261 (cited by Labcorp Genetics (formerly Invitae), Labcorp); PubMed 26793055 (cited by Labcorp Genetics (formerly Invitae), Labcorp); PubMed 27665735 (cited by Labcorp Genetics (formerly Invitae), Labcorp); PubMed 26633542 (cited by Labcorp Genetics (formerly Invitae), Labcorp).

NM_001111125.3(IQSEC2):c.2710C>T (p.Arg904Ter)

Gene: IQSEC2 (IQ motif and Sec7 domain ArfGEF 2; minus strand). Cytogenetic location: Xp11.22.
Variant type: single nucleotide variant.
Coding change: c.2710C>T on transcript NM_001111125.3 (MANE Select); coding-DNA position 2710, C replaced by T.
Protein change: p.Arg904Ter; replaces arginine 904 with a stop codon.
Molecular consequence: nonsense.
Genome position (GRCh38, 1-based): chrX:53,247,008, G>A on the plus strand (C>T on the coding strand, the complement: IQSEC2 is on the minus strand). VCF-style: chrX-53247008-G-A. GRCh37 (hg19) VCF-style: chrX-53276190-G-A.
Other names: c.2710C>T (NM_001111125.1); c.2095C>T, p.Arg699Ter (NM_015075.2); short protein forms R904*, R699*.
Identifiers: ClinVar variation 935987 (VCV000935987.15), dbSNP rs2074317360, ClinGen allele CA413155443.
Genomic context (GRCh38, chrX:53,247,008, plus strand): 5'-AAAAGCTGACAGGGAAGTCACCTCTCAGGTTCTTGATGAAGTCATCTAGTTTCATCTTTC[G>A]TTCAGCTTTGACGCTGGGACTGTACATGTCGGTATTGAGGAGGATGATGGCAAAAGCAAG-3'